The following is an entry in ClinVar:

NM_001081.4(CUBN):c.9491C>G (p.Ser3164Trp)

Gene: CUBN (cubilin; minus strand). Cytogenetic location: 10p13.
Variant type: single nucleotide variant.
Coding change: c.9491C>G on transcript NM_001081.4 (MANE Select); coding-DNA position 9491, C replaced by G.
Protein change: p.Ser3164Trp; replaces serine 3164 with tryptophan.
Molecular consequence: missense variant.
Genome position (GRCh38, 1-based): chr10:16,851,407, G>C on the plus strand (C>G on the coding strand, the complement: CUBN is on the minus strand). VCF-style: chr10-16851407-G-C. GRCh37 (hg19) VCF-style: chr10-16893406-G-C.
Other names: p.Ser3164Trp; short protein forms S3164W.
Identifiers: ClinVar variation 299380 (VCV000299380.21), dbSNP rs57163243, ClinGen allele CA5422687.

ClinVar aggregate classification (germline): Benign/Likely benign. Review status: criteria provided, multiple submitters, no conflicts (2 of 4 stars). 7 submissions from 7 submitters: Benign (3); Likely benign (2). 2 of the submissions do not count toward it. Last evaluated 2026-01-24.

Conditions:
Imerslund-Grasbeck syndrome. Also called: Megaloblastic anemia due to inborn errors of metabolism; Imerslund-Gräsbeck syndrome; ENTEROCYTE COBALAMIN MALABSORPTION; ENTEROCYTE INTRINSIC FACTOR RECEPTOR, DEFECT OF; PERNICIOUS ANEMIA, JUVENILE, DUE TO SELECTIVE INTESTINAL MALABSORPTION OF VITAMIN B12, WITH PROTEINURIA. Identifiers: Orphanet 35858, MedGen C4551825, MONDO:0009853.
Imerslund-Grasbeck syndrome type 1 (IGS1). Also called: Megaloblastic anemia 1, Finnish type; MEGALOBLASTIC ANEMIA, 1; Imerslund-Gräsbeck syndrome 1. Identifiers: MedGen C4016819, MONDO:0100156, OMIM 261100.

Allele frequency attached by ClinVar (database versions not stated): gnomAD 0.00641; TOPMed 0.00656; 1000 Genomes Project 30x 0.00859; 1000 Genomes Project 0.00779; ESP Exome Variant Server 0.00784.
gnomAD v4.1: 2,016 of 1,614,056 alleles (0.12%); highest among the groups gnomAD compares: African/African-American, 2.2%; 23 homozygotes.

Submissions (7):

Labcorp Genetics (formerly Invitae), Labcorp
Classification: Benign for Imerslund-Grasbeck syndrome. Last evaluated: 2026-01-24. Review status: criteria provided, single submitter. Criteria: Invitae Variant Classification Sherloc (09022015). Collection method: clinical testing. Allele origin: germline.

Mayo Clinic Laboratories, Mayo Clinic
Classification: Benign. Last evaluated: 2024-08-16. Review status: criteria provided, single submitter. Criteria: ACMG Guidelines, 2015. Collection method: clinical testing. Allele origin: germline. Observed: 4 variant alleles.
Comment: BS1, BP4_strong

GeneDx
Classification: Likely benign. Last evaluated: 2022-05-05. Review status: criteria provided, single submitter. Criteria: GeneDx Variant Classification Process June 2021. Collection method: clinical testing. Allele origin: germline. Affected: yes.
Comment: See Variant Classification Assertion Criteria.

Illumina Laboratory Services, Illumina
Classification: Benign for Imerslund-Grasbeck syndrome type 1. Last evaluated: 2018-01-12. Review status: criteria provided, single submitter. Criteria: ICSL Variant Classification Criteria 13 December 2019. Collection method: clinical testing. Allele origin: germline.
Comment: This variant was observed in the ICSL laboratory as part of a predisposition screen in an ostensibly healthy population. It had not been previously curated by ICSL or reported in the Human Gene Mutation Database (HGMD: prior to June 1st, 2018), and was therefore a candidate for classification through an automated scoring system. Utilizing variant allele frequency, disease prevalence and penetrance estimates, and inheritance mode, an automated score was calculated to assess if this variant is too frequent to cause the disease. Based on the score and internal cut-off values, a variant classified as benign is not then subjected to further curation. The score for this variant resulted in a classification of benign for this disease.

Breakthrough Genomics
Classification: Likely benign. Review status: criteria provided, single submitter. Criteria: ACMG Guidelines, 2015. Collection method: not provided. Allele origin: germline. Inheritance: Autosomal recessive inheritance. Affected: yes.

Clinical Genetics DNA and cytogenetics Diagnostics Lab, Erasmus MC, Erasmus Medical Center
Classification: Benign. Review status: no assertion criteria provided. Collection method: clinical testing. Allele origin: germline. Affected: yes. Study: VKGL Data-share Consensus. Not counted in ClinVar's aggregate classification.

Genome Diagnostics Laboratory, University Medical Center Utrecht
Classification: Benign. Review status: no assertion criteria provided. Collection method: clinical testing. Allele origin: germline. Affected: yes. Study: VKGL Data-share Consensus. Not counted in ClinVar's aggregate classification.